The following is an entry in ClinVar:

NM_000660.7(TGFB1):c.768T>C (p.Pro256=)

Gene: TGFB1 (transforming growth factor beta 1; minus strand). Cytogenetic location: 19q13.2.
Variant type: single nucleotide variant.
Coding change: c.768T>C on transcript NM_000660.7 (MANE Select); coding-DNA position 768, T replaced by C.
Protein change: p.Pro256=; no amino-acid change (proline 256 retained).
Molecular consequence: synonymous variant.
Genome position (GRCh38, 1-based): chr19:41,341,975, A>G on the plus strand (T>C on the coding strand, the complement: TGFB1 is on the minus strand). VCF-style: chr19-41341975-A-G. GRCh37 (hg19) VCF-style: chr19-41847880-A-G.
Identifiers: ClinVar variation 2649924 (VCV002649924.27), dbSNP rs1326579879, ClinGen allele CA507689991.
Genomic context (GRCh38, chr19:41,341,975, plus strand): 5'-GTGCCGGGAGCTTTGCAGATGCTGGGCCCTCTCCAGCGGGGTGGCCATGAGAAGCAGGAA[A>G]GGCCGGTTCATGCCATGAATGGTGGCCAGGTCACCTCGGCGGCCGGTAGTGAACCCTGCT-3'
Protein context (NP_000651.3, residues 246-266): DLATIHGMNR[Pro256=]FLLLMATPLE

ClinVar aggregate classification (germline): Likely benign. Review status: criteria provided, multiple submitters, no conflicts (2 of 4 stars). 2 submissions from 2 submitters: Likely benign (2). Last evaluated 2024-06-11.

Allele frequency attached by ClinVar (database versions not stated): gnomAD 0.00001; gnomAD exomes 0.00001.
gnomAD v4.1: 5 of 1,614,088 alleles (0.00031%); highest among the groups gnomAD compares: African/African-American, 0.0013%; no homozygotes.

Submissions (2):

Labcorp Genetics (formerly Invitae), Labcorp
Classification: Likely benign. Last evaluated: 2024-06-11. Review status: criteria provided, single submitter. Criteria: Invitae Variant Classification Sherloc (09022015). Collection method: clinical testing. Allele origin: germline.

CeGaT Center for Human Genetics Tuebingen
Classification: Likely benign. Last evaluated: 2023-04-01. Review status: criteria provided, single submitter. Criteria: CeGaT Center For Human Genetics Tuebingen Variant Classification Criteria Version 2. Collection method: clinical testing. Allele origin: germline. Affected: yes. Observed: 1 variant allele.
Comment: TGFB1: BP4, BP7